The following is an entry in ClinVar:

NM_182914.3(SYNE2):c.10233A>G (p.Ile3411Met)

Gene: SYNE2 (spectrin repeat containing nuclear envelope protein 2; plus strand). Cytogenetic location: 14q23.2.
Variant type: single nucleotide variant.
Coding change: c.10233A>G on transcript NM_182914.3 (MANE Select); coding-DNA position 10233, A replaced by G.
Protein change: p.Ile3411Met; replaces isoleucine 3411 with methionine.
Molecular consequence: missense variant.
Genome position (GRCh38, 1-based): chr14:64,065,452, A>G. VCF-style: chr14-64065452-A-G. GRCh37 (hg19) VCF-style: chr14-64532170-A-G.
Other names: c.10233A>G, p.Ile3411Met (NM_015180.6); short protein forms I3411M.
Identifiers: ClinVar variation 950096 (VCV000950096.9), dbSNP rs751265049, ClinGen allele CA7221466.

ClinVar aggregate classification (germline): Uncertain significance (1 of 4 stars; one submission).

Conditions:
Emery-Dreifuss muscular dystrophy 5, autosomal dominant (EDMD5). Also called: EMERY-DREIFUSS MUSCULAR DYSTROPHY 5. Identifiers: Orphanet 261, MedGen C2751805, MONDO:0013072, OMIM 612999.

Allele frequency attached by ClinVar (database versions not stated): gnomAD exomes below 0.00001; ExAC 0.00001.
gnomAD v4.1: 2 of 1,614,102 alleles (0.00012%); highest among the groups gnomAD compares: Non-Finnish European, 0.000085%; no homozygotes.

Submission:

Labcorp Genetics (formerly Invitae), Labcorp
Classification: Uncertain significance for Emery-Dreifuss muscular dystrophy 5, autosomal dominant. Last evaluated: 2022-10-17. Review status: criteria provided, single submitter. Criteria: Invitae Variant Classification Sherloc (09022015). Collection method: clinical testing. Allele origin: germline.
Comment: ClinVar contains an entry for this variant (Variation ID: 950096). In summary, the available evidence is currently insufficient to determine the role of this variant in disease. Therefore, it has been classified as a Variant of Uncertain Significance. Algorithms developed to predict the effect of missense changes on protein structure and function output the following: SIFT: "Tolerated"; PolyPhen-2: "Benign"; Align-GVGD: "Class C0". The methionine amino acid residue is found in multiple mammalian species, which suggests that this missense change does not adversely affect protein function. This variant has not been reported in the literature in individuals affected with SYNE2-related conditions. This variant is present in population databases (rs751265049, gnomAD 0.0009%). This sequence change replaces isoleucine, which is neutral and non-polar, with methionine, which is neutral and non-polar, at codon 3411 of the SYNE2 protein (p.Ile3411Met).